The following is an entry in ClinVar:

NM_001130004.2(ACTN1):c.1585A>G (p.Met529Val)

Gene: ACTN1 (actinin alpha 1; minus strand). Cytogenetic location: 14q24.1.
Variant type: single nucleotide variant.
Coding change: c.1585A>G on transcript NM_001130004.2 (MANE Select); coding-DNA position 1585, A replaced by G.
Protein change: p.Met529Val; replaces methionine 529 with valine.
Molecular consequence: missense variant.
Genome position (GRCh38, 1-based): chr14:68,884,218, T>C on the plus strand (A>G on the coding strand, the complement: ACTN1 is on the minus strand). VCF-style: chr14-68884218-T-C. GRCh37 (hg19) VCF-style: chr14-69350935-T-C.
Other names: c.1585A>G, p.Met529Val (NM_001102.4, NM_001130005.2); c.1609A>G, p.Met537Val (NM_001411035.1); c.1390A>G, p.Met464Val (NM_001411036.1); short protein forms M537V, M464V, M529V.
Identifiers: ClinVar variation 1977434 (VCV001977434.6), dbSNP rs564524574, ClinGen allele CA262849706.
Genomic context (GRCh38, chr14:68,884,218, plus strand): 5'-TGGGGCTCACCTGGATCTCCTCAATGGTGTGCACAATGAAGGTGTCCTGCAGGTCCTCCA[T>C]GGCCCCCTCCATCCAGTTGTTGAAGGGTGCAGCCCGCTTGGCATACTCCAAGTACAGCTG-3'
Protein context (NP_001123476.1, residues 519-539): APFNNWMEGA[Met529Val]EDLQDTFIVH

ClinVar aggregate classification (germline): Uncertain significance. Review status: criteria provided, multiple submitters, no conflicts (2 of 4 stars). 2 submissions from 2 submitters: Uncertain significance (2). Last evaluated 2022-10-09.

Allele frequency attached by ClinVar (database versions not stated): gnomAD exomes below 0.00001; TOPMed 0.00002.
gnomAD v4.1: 4 of 1,614,122 alleles (0.00025%); highest among the groups gnomAD compares: Admixed American, 0.0017%; no homozygotes.

Submissions (2):

Labcorp Genetics (formerly Invitae), Labcorp
Classification: Uncertain significance. Last evaluated: 2022-10-09. Review status: criteria provided, single submitter. Criteria: Invitae Variant Classification Sherloc (09022015). Collection method: clinical testing. Allele origin: germline.
Comment: In summary, the available evidence is currently insufficient to determine the role of this variant in disease. Therefore, it has been classified as a Variant of Uncertain Significance. Advanced modeling of protein sequence and biophysical properties (such as structural, functional, and spatial information, amino acid conservation, physicochemical variation, residue mobility, and thermodynamic stability) performed at Invitae indicates that this missense variant is not expected to disrupt ACTN1 protein function. This variant has not been reported in the literature in individuals affected with ACTN1-related conditions. This variant is present in population databases (rs564524574, gnomAD 0.003%). This sequence change replaces methionine, which is neutral and non-polar, with valine, which is neutral and non-polar, at codon 529 of the ACTN1 protein (p.Met529Val).

Blueprint Genetics
Classification: Uncertain significance. Last evaluated: 2022-01-12. Review status: criteria provided, single submitter. Criteria: ACMG Guidelines, 2015. Collection method: clinical testing. Allele origin: germline.